The following is an entry in ClinVar:

ClinVar aggregate classification (germline): Likely benign (1 of 4 stars; one submission).

Allele frequency attached by ClinVar (database versions not stated): ESP Exome Variant Server 0.00023; ExAC 0.00028; gnomAD exomes 0.00028 and 0.00039; gnomAD 0.00040 and 0.00043; TOPMed 0.00041.
gnomAD v4.1: 625 of 1,613,212 alleles (0.039%); highest among the groups gnomAD compares: Non-Finnish European, 0.05%; no homozygotes.

Submission:

CeGaT Center for Human Genetics Tuebingen
Classification: Likely benign. Last evaluated: 2022-07-01. Review status: criteria provided, single submitter. Criteria: CeGaT Center For Human Genetics Tuebingen Variant Classification Criteria Version 2. Collection method: clinical testing. Allele origin: germline. Affected: yes. Observed: 1 variant allele.
Comment: TMEM63A: BP4, BP7

NM_014698.3(TMEM63A):c.2286G>A (p.Ser762=)

Gene: TMEM63A (transmembrane protein 63A; minus strand). Cytogenetic location: 1q42.12.
Variant type: single nucleotide variant.
Coding change: c.2286G>A on transcript NM_014698.3 (MANE Select); coding-DNA position 2286, G replaced by A.
Protein change: p.Ser762=; no amino-acid change (serine 762 retained).
Molecular consequence: synonymous variant.
Genome position (GRCh38, 1-based): chr1:225,847,178, C>T on the plus strand (G>A on the coding strand, the complement: TMEM63A is on the minus strand). VCF-style: chr1-225847178-C-T. GRCh37 (hg19) VCF-style: chr1-226034879-C-T.
Identifiers: ClinVar variation 1701126 (VCV001701126.31), dbSNP rs138912199, ClinGen allele CA1418819.